The following is an entry in ClinVar:

NM_021072.4(HCN1):c.899A>T (p.Asn300Ile)

Gene: HCN1 (hyperpolarization activated cyclic nucleotide gated potassium channel 1; minus strand). Cytogenetic location: 5p12.
Variant type: single nucleotide variant.
Coding change: c.899A>T on transcript NM_021072.4 (MANE Select); coding-DNA position 899, A replaced by T.
Protein change: p.Asn300Ile; replaces asparagine 300 with isoleucine.
Molecular consequence: missense variant.
Genome position (GRCh38, 1-based): chr5:45,461,958, T>A on the plus strand (A>T on the coding strand, the complement: HCN1 is on the minus strand). VCF-style: chr5-45461958-T-A. GRCh37 (hg19) VCF-style: chr5-45462060-T-A.
Other names: short protein forms N300I.
Identifiers: ClinVar variation 2764508 (VCV002764508.3), dbSNP rs2478145410, ClinGen allele CA359705003.
Genomic context (GRCh38, chr5:45,461,958, plus strand): 5'-GGTACTAAGAACTGAAGACAACCATCCCAGTGGCACAGGAGCAGCATCATGCCGATGAGA[T>A]TAAAAATTCTCACCACTGCACTGGCGAGATCATATGTCATGTGGAATATCTGTTGACCAA-3'
Protein context (NP_066550.2, residues 290-310): DLASAVVRIF[Asn300Ile]LIGMMLLLCH

ClinVar aggregate classification (germline): Uncertain significance (1 of 4 stars; one submission).

Conditions:
Early-infantile DEE. Also called: Ohtahara syndrome; Early infantile epileptic encephalopathy; Early infantile epileptic encephalopathy with suppression bursts. Identifiers: Orphanet 1934, MedGen C0393706, MONDO:0800491.

Submission:

Labcorp Genetics (formerly Invitae), Labcorp
Classification: Uncertain significance for Early-infantile DEE. Last evaluated: 2023-10-12. Review status: criteria provided, single submitter. Criteria: Invitae Variant Classification Sherloc (09022015). Collection method: clinical testing. Allele origin: germline.
Comment: This sequence change replaces asparagine, which is neutral and polar, with isoleucine, which is neutral and non-polar, at codon 300 of the HCN1 protein (p.Asn300Ile). This variant is not present in population databases (gnomAD no frequency). This variant has not been reported in the literature in individuals affected with HCN1-related conditions. Advanced modeling of protein sequence and biophysical properties (such as structural, functional, and spatial information, amino acid conservation, physicochemical variation, residue mobility, and thermodynamic stability) performed at Invitae indicates that this missense variant is expected to disrupt HCN1 protein function. In summary, the available evidence is currently insufficient to determine the role of this variant in disease. Therefore, it has been classified as a Variant of Uncertain Significance.